The following is an entry in ClinVar:

NM_018474.6(KIZ):c.1126A>G (p.Ser376Gly)

Gene: KIZ (kizuna centrosomal protein; plus strand). Cytogenetic location: 20p11.23.
Variant type: single nucleotide variant.
Coding change: c.1126A>G on transcript NM_018474.6 (MANE Select); coding-DNA position 1126, A replaced by G.
Protein change: p.Ser376Gly; replaces serine 376 with glycine.
Molecular consequence: missense variant.
Genome position (GRCh38, 1-based): chr20:21,162,933, A>G. VCF-style: chr20-21162933-A-G. GRCh37 (hg19) VCF-style: chr20-21143574-A-G.
Other names: c.817A>G, p.Ser273Gly (NM_001163022.3, NM_001352435.2); c.727A>G, p.Ser243Gly (NM_001163023.3); c.979A>G, p.Ser327Gly (NM_001276389.2); c.1126A>G, p.Ser376Gly (NM_001352434.2); c.784A>G, p.Ser262Gly (NM_001352436.2); short protein forms S243G, S273G, S376G, S262G, S327G.
Identifiers: ClinVar variation 953386 (VCV000953386.9), dbSNP rs370218673, ClinGen allele CA9784782.

ClinVar aggregate classification (germline): Uncertain significance. Review status: criteria provided, multiple submitters, no conflicts (2 of 4 stars). 2 submissions from 2 submitters: Uncertain significance (2). Last evaluated 2025-08-06.

Allele frequency attached by ClinVar (database versions not stated): 1000 Genomes Project 30x 0.00047; 1000 Genomes Project 0.00060; TOPMed 0.00001; ExAC 0.00016; gnomAD exomes 0.00016.
gnomAD v4.1: 86 of 1,613,734 alleles (0.0053%); highest among the groups gnomAD compares: South Asian, 0.077%; no homozygotes.

Submissions (2):

Ambry Genetics
Classification: Uncertain significance. Last evaluated: 2025-08-06. Review status: criteria provided, single submitter. Criteria: Ambry Variant Classification Scheme 2023. Collection method: clinical testing. Allele origin: germline.

Labcorp Genetics (formerly Invitae), Labcorp
Classification: Uncertain significance. Last evaluated: 2022-10-18. Review status: criteria provided, single submitter. Criteria: Invitae Variant Classification Sherloc (09022015). Collection method: clinical testing. Allele origin: germline.
Comment: In summary, the available evidence is currently insufficient to determine the role of this variant in disease. Therefore, it has been classified as a Variant of Uncertain Significance. Experimental studies and prediction algorithms are not available or were not evaluated, and the functional significance of this variant is currently unknown. ClinVar contains an entry for this variant (Variation ID: 953386). This variant has not been reported in the literature in individuals affected with KIZ-related conditions. This variant is present in population databases (rs370218673, gnomAD 0.1%). This sequence change replaces serine, which is neutral and polar, with glycine, which is neutral and non-polar, at codon 376 of the KIZ protein (p.Ser376Gly).